The following is an entry in ClinVar:

NM_030943.4(AMN):c.316G>A (p.Asp106Asn)

Gene: AMN (amnion associated transmembrane protein; plus strand). Cytogenetic location: 14q32.32.
Variant type: single nucleotide variant.
Coding change: c.316G>A on transcript NM_030943.4 (MANE Select); coding-DNA position 316, G replaced by A.
Protein change: p.Asp106Asn; replaces aspartic acid 106 with asparagine.
Molecular consequence: missense variant.
Genome position (GRCh38, 1-based): chr14:102,928,778, G>A. VCF-style: chr14-102928778-G-A. GRCh37 (hg19) VCF-style: chr14-103395115-G-A.
Other names: short protein forms D106N.
Identifiers: ClinVar variation 2125223 (VCV002125223.1), dbSNP rs1414522498, ClinGen allele CA391080390.

ClinVar aggregate classification (germline): Uncertain significance (1 of 4 stars; one submission).

Conditions:
Imerslund-Grasbeck syndrome. Also called: ENTEROCYTE COBALAMIN MALABSORPTION; ENTEROCYTE INTRINSIC FACTOR RECEPTOR, DEFECT OF; Megaloblastic anemia due to inborn errors of metabolism; Imerslund-Gräsbeck syndrome; PERNICIOUS ANEMIA, JUVENILE, DUE TO SELECTIVE INTESTINAL MALABSORPTION OF VITAMIN B12, WITH PROTEINURIA. Identifiers: Orphanet 35858, MedGen C4551825, MONDO:0009853.

gnomAD v4.1: 2 of 1,608,572 alleles (0.00012%); highest among the groups gnomAD compares: South Asian, 0.0011%; no homozygotes.

Submission:

Labcorp Genetics (formerly Invitae), Labcorp
Classification: Uncertain significance for Imerslund-Grasbeck syndrome. Last evaluated: 2022-04-12. Review status: criteria provided, single submitter. Criteria: Invitae Variant Classification Sherloc (09022015). Collection method: clinical testing. Allele origin: germline.
Comment: This sequence change replaces aspartic acid, which is acidic and polar, with asparagine, which is neutral and polar, at codon 106 of the AMN protein (p.Asp106Asn). This variant is not present in population databases (gnomAD no frequency). This variant has not been reported in the literature in individuals affected with AMN-related conditions. Algorithms developed to predict the effect of missense changes on protein structure and function output the following: SIFT: "Tolerated"; PolyPhen-2: "Benign"; Align-GVGD: "Class C0". The asparagine amino acid residue is found in multiple mammalian species, which suggests that this missense change does not adversely affect protein function. In summary, the available evidence is currently insufficient to determine the role of this variant in disease. Therefore, it has been classified as a Variant of Uncertain Significance.